The following is an entry in ClinVar:

NM_000194.2(HPRT1):c.481G>T (p.Ala161Ser)

Gene: HPRT1 (hypoxanthine phosphoribosyltransferase 1; plus strand). Cytogenetic location: Xq26.2.
Variant type: single nucleotide variant.
Coding change: c.481G>T on transcript NM_000194.2; coding-DNA position 481, G replaced by T.
Protein change: p.Ala161Ser; replaces alanine 161 with serine.
Molecular consequence: missense variant (on NM_000194.3).
Genome position (GRCh38, 1-based): chrX:134,493,586, G>T. VCF-style: chrX-134493586-G-T. GRCh37 (hg19) VCF-style: chrX-133627616-G-T.
Other names: c.481G>T, p.Ala161Ser (NM_000194.3); short protein forms A161S.
Identifiers: ClinVar variation 10041 (VCV000010041.6), dbSNP rs137852484, ClinGen allele CA120896.
Genomic context (GRCh38, chrX:134,493,586, plus strand): 5'-AAAACAATGCAGACTTTGCTTTCCTTGGTCAGGCAGTATAATCCAAAGATGGTCAAGGTC[G>T]CAAGGTATGTATGACATTTTGACACAGAATATTTTCCTCATTTGAAGGGGGATTAAGTGA-3'
Protein context (NP_000185.1, residues 151-171): RQYNPKMVKV[Ala161Ser]SLLVKRTPRS

ClinVar aggregate classification (germline): Likely pathogenic. Review status: criteria provided, single submitter (1 of 4 stars). 3 submissions from 2 submitters: Likely pathogenic (1). 2 of the submissions do not count toward it. Last evaluated 2023-02-14.

Conditions:
HPRT MILWAUKEE.
Lesch-Nyhan syndrome (LNS). Also called: HPRT DEFICIENCY, COMPLETE; Lesch-Nyhan Disease (LND). Identifiers: Orphanet 510, MedGen C0023374, MONDO:0010298, OMIM 300322.
Partial hypoxanthine-guanine phosphoribosyltransferase deficiency. Also called: HPRT DEFICIENCY, PARTIAL; HYPOXANTHINE GUANINE PHOSPHORIBOSYLTRANSFERASE 1 DEFICIENCY, PARTIAL; HPRT1 DEFICIENCY, PARTIAL; Kelley-Seegmiller Syndrome; GOUT, HPRT-RELATED. Identifiers: Orphanet 79233, MedGen C0268117, MONDO:0010299, OMIM 300323.

Submissions (3):

Labcorp Genetics (formerly Invitae), Labcorp
Classification: Likely pathogenic for Lesch-Nyhan syndrome; Partial hypoxanthine-guanine phosphoribosyltransferase deficiency. Last evaluated: 2023-02-14. Review status: criteria provided, single submitter. Criteria: Invitae Variant Classification Sherloc (09022015). Collection method: clinical testing. Allele origin: germline.
Comment: Algorithms developed to predict the effect of missense changes on protein structure and function (SIFT, PolyPhen-2, Align-GVGD) all suggest that this variant is likely to be disruptive. In summary, the currently available evidence indicates that the variant is pathogenic, but additional data are needed to prove that conclusively. Therefore, this variant has been classified as Likely Pathogenic. This variant disrupts the p.Ala161 amino acid residue in HPRT1. Other variant(s) that disrupt this residue have been determined to be pathogenic (PMID: 11018746, 15386453, 19016344). This suggests that this residue is clinically significant, and that variants that disrupt this residue are likely to be disease-causing. Experimental studies have shown that this missense change affects HPRT1 function (PMID: 2928313). ClinVar contains an entry for this variant (Variation ID: 10041). This missense change has been observed in individual(s) with HPRT1-related conditions (PMID: 2928313, 27288985). This variant is not present in population databases (gnomAD no frequency). This sequence change replaces alanine, which is neutral and non-polar, with serine, which is neutral and polar, at codon 161 of the HPRT1 protein (p.Ala161Ser).

OMIM
Classification: other for HPRT MILWAUKEE. Last evaluated: 2020-09-10. Review status: no assertion criteria provided. Collection method: literature only. Allele origin: germline. Not counted in ClinVar's aggregate classification.

OMIM
Classification: Pathogenic for HYPERURICEMIA, HPRT-RELATED. Last evaluated: 1989-07-01. Review status: no assertion criteria provided. Collection method: literature only. Allele origin: germline. Not counted in ClinVar's aggregate classification.

Literature cited by the submitters: PubMed 11018746 (cited by Labcorp Genetics (formerly Invitae), Labcorp); PubMed 15386453 (cited by Labcorp Genetics (formerly Invitae), Labcorp); PubMed 19016344 (cited by Labcorp Genetics (formerly Invitae), Labcorp); PubMed 2928313 (cited by Labcorp Genetics (formerly Invitae), Labcorp and OMIM); PubMed 27288985 (cited by Labcorp Genetics (formerly Invitae), Labcorp); PubMed 2738157 (cited by OMIM).